The following is an entry in ClinVar:

NM_001875.5(CPS1):c.2845G>A (p.Ala949Thr)

Gene: CPS1 (carbamoyl-phosphate synthase 1; plus strand). Cytogenetic location: 2q34.
Variant type: single nucleotide variant.
Coding change: c.2845G>A on transcript NM_001875.5 (MANE Select); coding-DNA position 2845, G replaced by A.
Protein change: p.Ala949Thr; replaces alanine 949 with threonine.
Molecular consequence: missense variant. On other transcripts: non-coding transcript variant (2).
Genome position (GRCh38, 1-based): chr2:210,639,165, G>A. VCF-style: chr2-210639165-G-A. GRCh37 (hg19) VCF-style: chr2-211503889-G-A.
Other names: c.2845G>A (LRG_336t1); c.2845G>A, p.Ala949Thr (NM_001122633.3, NM_001369257.1); c.2878G>A, p.Ala960Thr (NM_001369256.1); short protein forms A949T, A960T.
Identifiers: ClinVar variation 477853 (VCV000477853.6), dbSNP rs537170841, ClinGen allele CA2086777.

ClinVar aggregate classification (germline): Uncertain significance. Review status: criteria provided, multiple submitters, no conflicts (2 of 4 stars). 4 submissions from 4 submitters: Uncertain significance (3). 1 of the submissions does not count toward it. Last evaluated 2023-07-12.

Conditions:
Congenital hyperammonemia, type I. Also called: Carbamoyl-phosphate synthase I deficiency; Carbamoyl phosphate synthetase I deficiency disease; Carbamoyl phosphate synthetase 1 deficiency; Hyperammonemia due to carbamoyl phosphate synthetase 1 deficiency; CPS 1 deficiency; Carbamyl phosphate synthetase (CPS) deficiency. Identifiers: Orphanet 147, MedGen C4082171, MONDO:0009376, OMIM 237300.
Pulmonary hypertension, neonatal, susceptibility to (PHN). Identifiers: MedGen C3714958, MONDO:0014151, OMIM 615371.

Allele frequency attached by ClinVar (database versions not stated): ExAC 0.00001; TOPMed 0.00002; gnomAD exomes 0.00003 and 0.00005; gnomAD 0.00005 and 0.00006.
gnomAD v4.1: 79 of 1,612,408 alleles (0.0049%); highest among the groups gnomAD compares: Non-Finnish European, 0.0059%; no homozygotes.

Submissions (4):

Women's Health and Genetics/Laboratory Corporation of America, LabCorp
Classification: Uncertain significance. Last evaluated: 2023-07-12. Review status: criteria provided, single submitter. Criteria: LabCorp Variant Classification Summary - May 2015. Collection method: clinical testing. Allele origin: germline.
Comment: Variant summary: CPS1 c.2845G>A (p.Ala949Thr) results in a non-conservative amino acid change located in the large subunit oligomerisation domain (IPR005480) of the encoded protein sequence. Five of five in-silico tools predict a damaging effect of the variant on protein function. The variant allele was found at a frequency of 2.8e-05 in 251100 control chromosomes (gnomAD). c.2845G>A has been reported in the literature as a compound heterozygous genotype in an individual affected with late onset Carbamoylphosphate Synthetase I Deficiency (Haberle_2011, Diez-Fernandez_2014). These data do not allow any strong conclusion about variant significance. At least one publication reports experimental evidence evaluating an impact on protein function and found the variant resulted in 30%-50% of normal activity and had decreased thermal stability versus the wild-type protein (Diez-Fernandez_2014). The following publications have been ascertained in the context of this evaluation (PMID: 24813853, 21120950). Three submitters have cited clinical-significance assessments for this variant to ClinVar after 2014 and all classified the variant as uncertain significance. Based on the evidence outlined above, the variant was classified as VUS-possibly pathogenic.

Labcorp Genetics (formerly Invitae), Labcorp
Classification: Uncertain significance for Congenital hyperammonemia, type I. Last evaluated: 2022-05-06. Review status: criteria provided, single submitter. Criteria: Invitae Variant Classification Sherloc (09022015). Collection method: clinical testing. Allele origin: germline.
Comment: This sequence change replaces alanine, which is neutral and non-polar, with threonine, which is neutral and polar, at codon 949 of the CPS1 protein (p.Ala949Thr). This variant is present in population databases (rs537170841, gnomAD 0.008%). This missense change has been observed in individual(s) with carbamoylphosphate synthetase 1 deficiency (PMID: 24813853). In at least one individual the data is consistent with being in trans (on the opposite chromosome) from a pathogenic variant. ClinVar contains an entry for this variant (Variation ID: 477853). Algorithms developed to predict the effect of missense changes on protein structure and function are either unavailable or do not agree on the potential impact of this missense change (SIFT: "Deleterious"; PolyPhen-2: "Probably Damaging"; Align-GVGD: "Class C0"). Experimental studies have shown that this missense change affects CPS1 function (PMID: 24813853). In summary, the available evidence is currently insufficient to determine the role of this variant in disease. Therefore, it has been classified as a Variant of Uncertain Significance.

Fulgent Genetics
Classification: Uncertain significance for Congenital hyperammonemia, type I; Pulmonary hypertension, neonatal, susceptibility to. Last evaluated: 2021-10-14. Review status: criteria provided, single submitter. Criteria: ACMG Guidelines, 2015. Collection method: clinical testing. Allele origin: unknown.

Natera, Inc.
Classification: Uncertain significance for Carbamoyl-phosphate synthase I deficiency. Last evaluated: 2020-09-16. Review status: no assertion criteria provided. Collection method: clinical testing. Allele origin: germline. Not counted in ClinVar's aggregate classification.

Literature cited by the submitters: PubMed 21120950 (cited by Women's Health and Genetics/Laboratory Corporation of America, LabCorp); PubMed 24813853 (cited by Women's Health and Genetics/Laboratory Corporation of America, LabCorp and Labcorp Genetics (formerly Invitae), Labcorp).